The following is an entry in ClinVar:

NM_001457.4(FLNB):c.1282G>A (p.Val428Ile)

Gene: FLNB (filamin B; plus strand). Cytogenetic location: 3p14.3.
Variant type: single nucleotide variant.
Coding change: c.1282G>A on transcript NM_001457.4 (MANE Select); coding-DNA position 1282, G replaced by A.
Protein change: p.Val428Ile; replaces valine 428 with isoleucine.
Molecular consequence: missense variant.
Genome position (GRCh38, 1-based): chr3:58,098,845, G>A. VCF-style: chr3-58098845-G-A. GRCh37 (hg19) VCF-style: chr3-58084572-G-A.
Other names: c.1282G>A (NM_001457.3); c.1282G>A, p.Val428Ile (NM_001164317.2, NM_001164318.2, NM_001164319.2); short protein forms V428I.
Identifiers: ClinVar variation 1462842 (VCV001462842.9), dbSNP rs1189658661, ClinGen allele CA353337022.

ClinVar aggregate classification (germline): Uncertain significance. Review status: criteria provided, multiple submitters, no conflicts (2 of 4 stars). 2 submissions from 2 submitters: Uncertain significance (2). Last evaluated 2025-08-25.

Conditions:
Inborn genetic diseases. Identifiers: MedGen C0950123, MeSH D030342.

Allele frequency attached by ClinVar (database versions not stated): gnomAD exomes below 0.00001; gnomAD 0.00001.

Submissions (2):

Ambry Genetics
Classification: Uncertain significance for Inborn genetic diseases. Last evaluated: 2025-08-25. Review status: criteria provided, single submitter. Criteria: Ambry Variant Classification Scheme 2023. Collection method: clinical testing. Allele origin: germline.

Labcorp Genetics (formerly Invitae), Labcorp
Classification: Uncertain significance. Last evaluated: 2025-07-31. Review status: criteria provided, single submitter. Criteria: Invitae Variant Classification Sherloc (09022015). Collection method: clinical testing. Allele origin: germline.
Comment: This sequence change replaces valine, which is neutral and non-polar, with isoleucine, which is neutral and non-polar, at codon 428 of the FLNB protein (p.Val428Ile). This variant is present in population databases (no rsID available, gnomAD 0.0009%). This variant has not been reported in the literature in individuals affected with FLNB-related conditions. ClinVar contains an entry for this variant (Variation ID: 1462842). Invitae Evidence Modeling of protein sequence and biophysical properties (such as structural, functional, and spatial information, amino acid conservation, physicochemical variation, residue mobility, and thermodynamic stability) indicates that this missense variant is not expected to disrupt FLNB protein function with a negative predictive value of 95%. In summary, the available evidence is currently insufficient to determine the role of this variant in disease. Therefore, it has been classified as a Variant of Uncertain Significance.